The following is an entry in ClinVar:

ClinVar aggregate classification (germline): Uncertain significance (1 of 4 stars; one submission).

Submission:

GeneDx
Classification: Uncertain significance. Last evaluated: 2024-07-16. Review status: criteria provided, single submitter. Criteria: GeneDx Variant Classification Process June 2021. Collection method: clinical testing. Allele origin: germline. Affected: yes.
Comment: Not observed at significant frequency in large population cohorts (gnomAD); In silico analysis indicates that this missense variant does not alter protein structure/function; Has not been previously published as pathogenic or benign to our knowledge.

NM_005273.4(GNB2):c.961A>T (p.Thr321Ser)

Gene: GNB2 (G protein subunit beta 2; plus strand). Cytogenetic location: 7q22.1.
Variant type: single nucleotide variant.
Coding change: c.961A>T on transcript NM_005273.4 (MANE Select); coding-DNA position 961, A replaced by T.
Protein change: p.Thr321Ser; replaces threonine 321 with serine.
Molecular consequence: missense variant.
Genome position (GRCh38, 1-based): chr7:100,678,739, A>T. VCF-style: chr7-100678739-A-T. GRCh37 (hg19) VCF-style: chr7-100276362-A-T.
Other names: short protein forms T321S.
Identifiers: ClinVar variation 3573623 (VCV003573623.1).